The following is an entry in ClinVar:

ClinVar aggregate classification (germline): Likely pathogenic. Review status: criteria provided, multiple submitters, no conflicts (2 of 4 stars). 2 submissions from 2 submitters: Likely pathogenic (2). Last evaluated 2021-03-06.

Conditions:
Megalencephalic leukoencephalopathy with subcortical cysts 1 (MLC1). Also called: LEUKOENCEPHALOPATHY WITH SWELLING AND CYSTS; VACUOLATING MEGALENCEPHALIC LEUKOENCEPHALOPATHY WITH SUBCORTICAL CYSTS. Identifiers: Orphanet 2478, MedGen C5779875, MONDO:0024555, OMIM 604004.

Submissions (2):

Revvity Omics, Revvity
Classification: Likely pathogenic for Megalencephalic leukoencephalopathy with subcortical cysts 1. Last evaluated: 2021-03-06. Review status: criteria provided, single submitter. Criteria: ACMG Guidelines, 2015. Collection method: clinical testing. Allele origin: germline.

Myriad Genetics, Inc.
Classification: Likely pathogenic for Megalencephalic leukoencephalopathy with subcortical cysts 1. Last evaluated: 2019-12-21. Review status: criteria provided, single submitter. Criteria: Myriad Women's Health Autosomal Recessive and X-Linked Classification Criteria (2019). Collection method: clinical testing. Allele origin: unknown.
Comment: NM_015166.3(MLC1):c.559G>T(E187*) is expected to be pathogenic in the context of megalencephalic leukoencephalopathy with subcortical cysts. This variant is predicted to lead to an abnormal or absent protein product due to the creation of a premature termination codon in MLC1, a gene where loss-of-function variants are known to be pathogenic. Please note: this variant was assessed in the context of healthy population screening.

NM_015166.4(MLC1):c.559G>T (p.Glu187Ter)

Gene: MLC1 (modulator of VRAC current 1; minus strand). Cytogenetic location: 22q13.33.
Variant type: single nucleotide variant.
Coding change: c.559G>T on transcript NM_015166.4 (MANE Select); coding-DNA position 559, G replaced by T.
Protein change: p.Glu187Ter; replaces glutamic acid 187 with a stop codon.
Molecular consequence: nonsense. On other transcripts: non-coding transcript variant (3).
Genome position (GRCh38, 1-based): chr22:50,076,879, C>A on the plus strand (G>T on the coding strand, the complement: MLC1 is on the minus strand). VCF-style: chr22-50076879-C-A. GRCh37 (hg19) VCF-style: chr22-50515308-C-A.
Other names: c.559G>T, p.Glu187Ter (NM_001376472.1, NM_001376473.1, NM_001376474.1 and 6 more transcripts); c.469G>T, p.Glu157Ter (NM_001376480.1); c.457G>T, p.Glu153Ter (NM_001376481.1); c.403G>T, p.Glu135Ter (NM_001376482.1, NM_001376483.1); c.322G>T, p.Glu108Ter (NM_001376484.1); short protein forms E108*, E135*, E153*, E157*, E187*.
Identifiers: ClinVar variation 983678 (VCV000983678.7), dbSNP rs761502278, ClinGen allele CA412109503.